The following is an entry in ClinVar:

NM_001376.5(DYNC1H1):c.13714A>G (p.Asn4572Asp)

Gene: DYNC1H1 (dynein cytoplasmic 1 heavy chain 1; plus strand). Cytogenetic location: 14q32.31.
Variant type: single nucleotide variant.
Coding change: c.13714A>G on transcript NM_001376.5 (MANE Select); coding-DNA position 13714, A replaced by G.
Protein change: p.Asn4572Asp; replaces asparagine 4572 with aspartic acid.
Molecular consequence: missense variant.
Genome position (GRCh38, 1-based): chr14:102,050,100, A>G. VCF-style: chr14-102050100-A-G. GRCh37 (hg19) VCF-style: chr14-102516437-A-G.
Other names: short protein forms N4572D.
Identifiers: ClinVar variation 3636196 (VCV003636196.2).

ClinVar aggregate classification (germline): Uncertain significance (1 of 4 stars; one submission).

Conditions:
Charcot-Marie-Tooth disease axonal type 2O. Also called: Charcot-Marie-Tooth disease, axonal, type 20; CHARCOT-MARIE-TOOTH NEUROPATHY, AXONAL, TYPE 2O; CHARCOT-MARIE-TOOTH DISEASE, AXONAL, AUTOSOMAL DOMINANT, TYPE 2O; Charcot-Marie-Tooth Neuropathy Type 2O. Identifiers: Orphanet 284232, MedGen C3280220, MONDO:0013644, OMIM 614228.

Submission:

Labcorp Genetics (formerly Invitae), Labcorp
Classification: Uncertain significance for Charcot-Marie-Tooth disease axonal type 2O. Last evaluated: 2024-04-15. Review status: criteria provided, single submitter. Criteria: Invitae Variant Classification Sherloc (09022015). Collection method: clinical testing. Allele origin: germline.
Comment: This sequence change replaces asparagine, which is neutral and polar, with aspartic acid, which is acidic and polar, at codon 4572 of the DYNC1H1 protein (p.Asn4572Asp). This variant is not present in population databases (gnomAD no frequency). This variant has not been reported in the literature in individuals affected with DYNC1H1-related conditions. Advanced modeling of protein sequence and biophysical properties (such as structural, functional, and spatial information, amino acid conservation, physicochemical variation, residue mobility, and thermodynamic stability) performed at Invitae indicates that this missense variant is not expected to disrupt DYNC1H1 protein function with a negative predictive value of 95%. In summary, the available evidence is currently insufficient to determine the role of this variant in disease. Therefore, it has been classified as a Variant of Uncertain Significance.